The following is an entry in ClinVar:

ClinVar aggregate classification (germline): Uncertain significance (1 of 4 stars; one submission).

Conditions:
Cardiovascular phenotype. Identifiers: MedGen CN230736.

Submission:

Ambry Genetics
Classification: Uncertain significance for Cardiovascular phenotype. Last evaluated: 2022-02-07. Review status: criteria provided, single submitter. Criteria: Ambry Variant Classification Scheme 2023. Collection method: clinical testing. Allele origin: germline.
Comment: The p.G432V variant (also known as c.1295G>T), located in coding exon 10 of the SOS2 gene, results from a G to T substitution at nucleotide position 1295. The glycine at codon 432 is replaced by valine, an amino acid with dissimilar properties. This amino acid position is conserved. In addition, this alteration is predicted to be deleterious by in silico analysis. Since supporting evidence is limited at this time, the clinical significance of this alteration remains unclear.

NM_006939.4(SOS2):c.1295G>T (p.Gly432Val)

Gene: SOS2 (SOS Ras/Rho guanine nucleotide exchange factor 2; minus strand). Cytogenetic location: 14q21.3.
Variant type: single nucleotide variant.
Coding change: c.1295G>T on transcript NM_006939.4 (MANE Select); coding-DNA position 1295, G replaced by T.
Protein change: p.Gly432Val; replaces glycine 432 with valine.
Molecular consequence: missense variant.
Genome position (GRCh38, 1-based): chr14:50,159,988, C>A on the plus strand (G>T on the coding strand, the complement: SOS2 is on the minus strand). VCF-style: chr14-50159988-C-A. GRCh37 (hg19) VCF-style: chr14-50626706-C-A.
Other names: c.1196G>T, p.Gly399Val (NM_001411020.1); short protein forms G399V, G432V.
Identifiers: ClinVar variation 1769195 (VCV001769195.2), dbSNP rs1884942246, ClinGen allele CA389646113.
Genomic context (GRCh38, chr14:50,159,988, plus strand): 5'-CCGATTCTTGTCAATGGTCCCTCCATAATGAATTCATTACAACACTGTCCAATATCTTTG[C>A]CTTCCCATCCATCGATATTTTTCTGAATTTCATTCATTTTTTTGATAGCCAGGTGTTTGC-3'
Protein context (NP_008870.2, residues 422-442): EIQKNIDGWE[Gly432Val]KDIGQCCNEF